The following is an entry in ClinVar:

NM_015570.4(AUTS2):c.3729_3731dup (p.Glu1243_Ile1244insMet)

Gene: AUTS2 (activator of transcription and developmental regulator AUTS2; plus strand). Cytogenetic location: 7q11.22.
Variant type: Duplication.
Coding change: c.3729_3731dup on transcript NM_015570.4 (MANE Select); coding-DNA positions 3729 to 3731, 3 bases duplicated (GAT; older notation c.3729_3731dupGAT).
Protein change: p.Glu1243_Ile1244insMet.
Molecular consequence: inframe insertion.
Genome position (GRCh38, 1-based): chr7:70,790,945-70,790,947, GAT duplicated. VCF-style (leftmost placement, unchanged base first): chr7-70790944-A-AGAT. GRCh37 (hg19) VCF-style: chr7-70255930-A-AGAT.
Other names: c.3657_3659dup, p.Glu1219_Ile1220insMet (NM_001127231.3).
Identifiers: ClinVar variation 3345825 (VCV003345825.2).

ClinVar aggregate classification (germline): Uncertain significance (1 of 4 stars; one submission).

Conditions:
AUTS2-related disorder. Also called: AUTS2-related condition.

Submission:

PreventionGenetics, part of Exact Sciences
Classification: Uncertain significance for AUTS2-related condition. Last evaluated: 2025-07-16. Review status: criteria provided, single submitter. Criteria: ACMG Guidelines, 2015. Collection method: clinical testing. Allele origin: germline.
Comment: The AUTS2 c.3729_3731dupGAT variant is predicted to result in an in-frame duplication (p.Glu1243_Ile1244insMet). To our knowledge, this variant has not been reported in the literature or in a large population database, indicating this variant is rare. At this time, the clinical significance of this variant is uncertain due to the absence of conclusive functional and genetic evidence.